The following is an entry in ClinVar:

ClinVar aggregate classification (germline): Uncertain significance (1 of 4 stars; one submission).

Conditions:
Predisposition to Wilms tumor.

Submission:

St. Jude Molecular Pathology, St. Jude Children's Research Hospital
Classification: Uncertain significance for Predisposition to Wilms tumor. Last evaluated: 2026-10-01. Review status: criteria provided, single submitter. Criteria: St. Jude Assertion Criteria 2020. Collection method: clinical testing. Allele origin: germline.
Comment: The NYNRIN c.703G>A p.(Val235Me t) missense change has a maximum subpopulation frequency of 0.008% in gnomAD v2.1.1. The in silico tool REVEL predicts a benign effect on protein function, but to our knowledge this prediction has not been confirmed by functional studies. To our knowledge, this variant has not been reported in the literature in individuals with Wilms tumor. In summary, the evidence currently available is insufficient to determine the clinical significance of this variant. It has there fore been classified as of uncertain significance.

NM_025081.3(NYNRIN):c.703G>A (p.Val235Met)

Gene: NYNRIN (NYN domain and retroviral integrase containing; plus strand). Cytogenetic location: 14q12.
Variant type: single nucleotide variant.
Coding change: c.703G>A on transcript NM_025081.3 (MANE Select); coding-DNA position 703, G replaced by A.
Protein change: p.Val235Met; replaces valine 235 with methionine.
Molecular consequence: missense variant.
Genome position (GRCh38, 1-based): chr14:24,408,373, G>A. VCF-style: chr14-24408373-G-A. GRCh37 (hg19) VCF-style: chr14-24877579-G-A.
Other names: short protein forms V235M.
Identifiers: ClinVar variation 5038398 (VCV005038398.1).